The following is an entry in ClinVar:

NM_001042492.3(NF1):c.5564T>C (p.Leu1855Pro)

Gene: NF1 (neurofibromin 1; plus strand). Cytogenetic location: 17q11.2.
Variant type: single nucleotide variant.
Coding change: c.5564T>C on transcript NM_001042492.3 (MANE Select); coding-DNA position 5564, T replaced by C.
Protein change: p.Leu1855Pro; replaces leucine 1855 with proline.
Molecular consequence: missense variant.
Genome position (GRCh38, 1-based): chr17:31,327,794, T>C. VCF-style: chr17-31327794-T-C. GRCh37 (hg19) VCF-style: chr17-29654812-T-C.
Other names: c.5501T>C, p.Leu1834Pro (NM_000267.4); short protein forms L1834P, L1855P.
Identifiers: ClinVar variation 1006552 (VCV001006552.8), dbSNP rs2069385520, ClinGen allele CA399009935.

ClinVar aggregate classification (germline): Uncertain significance. Review status: criteria provided, multiple submitters, no conflicts (2 of 4 stars). 2 submissions from 2 submitters: Uncertain significance (2). Last evaluated 2024-08-27.

Conditions:
Hereditary cancer-predisposing syndrome. Also called: Hereditary neoplastic syndrome; Neoplastic Syndromes, Hereditary; Tumor predisposition; Hereditary Cancer Syndrome. Identifiers: Orphanet 140162, MedGen C0027672, MeSH D009386, MONDO:0015356.
Cardiovascular phenotype. Identifiers: MedGen CN230736.
Neurofibromatosis, type 1 (NF1). Also called: NEUROFIBROMATOSIS, TYPE I, SOMATIC; Peripheral type neurofibromatosis; VON RECKLINGHAUSEN DISEASE; Neurofibromatosis, type I. Identifiers: Orphanet 636, MedGen C0027831, MONDO:0018975, OMIM 162200. Disease mechanism: loss of function.

Submissions (2):

Ambry Genetics
Classification: Uncertain significance for Cardiovascular phenotype; Hereditary cancer-predisposing syndrome. Last evaluated: 2024-08-27. Review status: criteria provided, single submitter. Criteria: Ambry Variant Classification Scheme 2023. Collection method: clinical testing. Allele origin: germline.
Comment: The p.L1834P variant (also known as c.5501T>C), located in coding exon 37 of the NF1 gene, results from a T to C substitution at nucleotide position 5501. The leucine at codon 1834 is replaced by proline, an amino acid with similar properties. This amino acid position is highly conserved in available vertebrate species. In addition, this alteration is predicted to be deleterious by in silico analysis. Since supporting evidence is limited at this time, the clinical significance of this alteration remains unclear.

Labcorp Genetics (formerly Invitae), Labcorp
Classification: Uncertain significance for Neurofibromatosis, type 1. Last evaluated: 2020-05-06. Review status: criteria provided, single submitter. Criteria: Invitae Variant Classification Sherloc (09022015). Collection method: clinical testing. Allele origin: germline.
Comment: This variant has not been reported in the literature in individuals with NF1-related conditions. Algorithms developed to predict the effect of missense changes on protein structure and function are either unavailable or do not agree on the potential impact of this missense change (SIFT: "Tolerated"; PolyPhen-2: "Probably Damaging"; Align-GVGD: "Class C0"). In summary, the available evidence is currently insufficient to determine the role of this variant in disease. Therefore, it has been classified as a Variant of Uncertain Significance. This variant is not present in population databases (ExAC no frequency). This sequence change replaces leucine with proline at codon 1834 of the NF1 protein (p.Leu1834Pro). The leucine residue is moderately conserved and there is a moderate physicochemical difference between leucine and proline.